The following is an entry in ClinVar:

NM_004415.4(DSP):c.6655G>A (p.Val2219Ile)

Gene: DSP (desmoplakin; plus strand). Cytogenetic location: 6p24.3.
Variant type: single nucleotide variant.
Coding change: c.6655G>A on transcript NM_004415.4 (MANE Select); coding-DNA position 6655, G replaced by A.
Protein change: p.Val2219Ile; replaces valine 2219 with isoleucine.
Molecular consequence: missense variant.
Genome position (GRCh38, 1-based): chr6:7,583,917, G>A. VCF-style: chr6-7583917-G-A. GRCh37 (hg19) VCF-style: chr6-7584150-G-A.
Other names: p.V2219I:GTC>ATC; c.4858G>A, p.Val1620Ile (NM_001008844.3); c.5326G>A, p.Val1776Ile (NM_001319034.2); short protein forms V2219I, V1620I, V1776I.
Identifiers: ClinVar variation 44940 (VCV000044940.26), dbSNP rs397516953, ClinGen allele CA007005.

ClinVar aggregate classification (germline): Benign/Likely benign. Review status: criteria provided, multiple submitters, no conflicts (2 of 4 stars). 11 submissions from 11 submitters: Benign (3); Likely benign (5). 3 of the submissions do not count toward it. Last evaluated 2026-01-27.

Conditions:
Cardiovascular phenotype. Identifiers: MedGen CN230736.
Arrhythmogenic cardiomyopathy with wooly hair and keratoderma. Also called: PALMOPLANTAR KERATODERMA WITH LEFT VENTRICULAR CARDIOMYOPATHY AND WOOLLY HAIR; Arrhythmogenic cardiomyopathy with woolly hair and keratoderma; Dilated cardiomyopathy with woolly hair and keratoderma; Carvajal syndrome. Identifiers: Orphanet 65282, MedGen C1854063, MONDO:0011581, OMIM 605676.
Arrhythmogenic right ventricular dysplasia 8 (ARVD8). Also called: Arrhythmogenic Right Ventricular Dysplasia/Cardiomyopathy 8; ARRHYTHMOGENIC RIGHT VENTRICULAR DYSPLASIA, FAMILIAL, 8; ARRHYTHMOGENIC RIGHT VENTRICULAR CARDIOMYOPATHY 8. Identifiers: MedGen C1843896, MONDO:0011831, OMIM 607450.
Cardiomyopathy (CMYO). Also called: Cardiomyopathies. Identifiers: Orphanet 167848, MedGen C0878544, MONDO:0004994, HP:0001638. Inheritance: Various modes of inheritance.
Cardiomyopathy, dilated, with wooly hair, keratoderma, and tooth agenesis. Also called: Cardiomyopathy, dilated, with woolly hair, keratoderma, and tooth agenesis; Erythrokeratodermia-cardiomyopathy syndrome. Identifiers: Orphanet 476096, Orphanet 65282, MedGen C4014393, MONDO:0014355, OMIM 615821.
Woolly hair-skin fragility syndrome (WHSF). Identifiers: Orphanet 293165, MedGen C1843292, MONDO:0957307, OMIM 620415.
Lethal acantholytic epidermolysis bullosa (EBLA). Identifiers: Orphanet 158687, MedGen C1864826, MONDO:0012323, OMIM 609638.
Keratosis palmoplantaris striata 2. Also called: Keratosis palmoplantaris striata II; KERATODERMA, PALMOPLANTAR, STRIATE FORM II; STRIATE PALMOPLANTAR KERATODERMA II. Identifiers: MedGen C1852127, MONDO:0013034, OMIM 612908.

Allele frequency attached by ClinVar (database versions not stated): gnomAD 0.00002 and 0.00015; TOPMed 0.00002; 1000 Genomes Project 30x 0.00016; 1000 Genomes Project 0.00020; gnomAD exomes 0.00027 and 0.00055; ExAC 0.00058.
gnomAD v4.1: 424 of 1,614,092 alleles (0.026%); highest among the groups gnomAD compares: South Asian, 0.42%; 4 homozygotes.

Submissions (11):

Labcorp Genetics (formerly Invitae), Labcorp
Classification: Benign for Arrhythmogenic cardiomyopathy with wooly hair and keratoderma; Arrhythmogenic right ventricular dysplasia 8. Last evaluated: 2026-01-27. Review status: criteria provided, single submitter. Criteria: Invitae Variant Classification Sherloc (09022015). Collection method: clinical testing. Allele origin: germline.

All of Us Research Program, National Institutes of Health
Classification: Likely benign for Arrhythmogenic cardiomyopathy with wooly hair and keratoderma. Last evaluated: 2024-09-23. Review status: criteria provided, single submitter. Criteria: ACMG Guidelines, 2015. Collection method: clinical testing. Allele origin: germline. Inheritance: Autosomal dominant inheritance. Observed: 22 variant alleles, 22 heterozygotes.
Comment: This study involves interpretation of variants in research participants for the purpose of population health screening. Participant phenotype was not available at the time of variant classification. Additional details can be found in publication PMID: 35346344, PMCID: PMC8962531

Blueprint Genetics
Classification: Likely benign. Last evaluated: 2024-06-21. Review status: criteria provided, single submitter. Criteria: ACMG Guidelines, 2015. Collection method: clinical testing. Allele origin: germline.

Fulgent Genetics
Classification: Benign for Arrhythmogenic cardiomyopathy with wooly hair and keratoderma; Arrhythmogenic right ventricular dysplasia 8; Lethal acantholytic epidermolysis bullosa; Keratosis palmoplantaris striata 2; Cardiomyopathy, dilated, with wooly hair, keratoderma, and tooth agenesis. Last evaluated: 2021-08-23. Review status: criteria provided, single submitter. Criteria: ACMG Guidelines, 2015. Collection method: clinical testing. Allele origin: unknown.

Women's Health and Genetics/Laboratory Corporation of America, LabCorp
Classification: Benign. Last evaluated: 2021-04-26. Review status: criteria provided, single submitter. Criteria: LabCorp Variant Classification Summary - May 2015. Collection method: clinical testing. Allele origin: germline.
Comment: Variant summary: DSP c.6655G>A (p.Val2219Ile) results in a conservative amino acid change in the encoded protein sequence. Five of five in-silico tools predict a benign effect of the variant on protein function. The variant allele was found at a frequency of 0.00055 in 251362 control chromosomes, predominantly at a frequency of 0.0044 within the South Asian subpopulation in the gnomAD database, including 3 homozygotes. The observed variant frequency within South Asian control individuals in the gnomAD database is approximately 22 fold of the estimated maximal expected allele frequency for a pathogenic variant in DSP causing Arrhythmogenic Right Ventricular Dysplasia/Cardiomyopathy phenotype (0.0002), strongly suggesting that the variant is a benign polymorphism found primarily in populations of South Asian origin. Two clinical diagnostic laboratories have submitted clinical-significance assessments for this variant to ClinVar after 2014 without evidence for independent evaluation. Both laboratories classified the variant as benign/likely benign. Based on the evidence outlined above, the variant was classified as benign.

Ambry Genetics
Classification: Likely benign for Cardiovascular phenotype. Last evaluated: 2019-10-18. Review status: criteria provided, single submitter. Criteria: Ambry Variant Classification Scheme 2023. Collection method: clinical testing. Allele origin: germline.

Color Diagnostics, LLC DBA Color Health
Classification: Likely benign for Cardiomyopathy. Last evaluated: 2018-10-29. Review status: criteria provided, single submitter. Criteria: ACMG Guidelines, 2015. Collection method: clinical testing. Allele origin: germline.

GeneDx
Classification: Likely benign. Last evaluated: 2014-08-22. Review status: criteria provided, single submitter. Criteria: GeneDx Variant Classification (06012015). Collection method: clinical testing. Allele origin: germline. Affected: yes.
Comment: This variant is considered likely benign or benign based on one or more of the following criteria: it is a conservative change, it occurs at a poorly conserved position in the protein, it is predicted to be benign by multiple in silico algorithms, and/or has population frequency not consistent with disease.

Laboratory for Molecular Medicine, Mass General Brigham Personalized Medicine
Classification: Uncertain significance. Last evaluated: 2008-04-18. Review status: no assertion criteria provided. Collection method: clinical testing. Allele origin: germline. Observed: 1 variant allele. Not counted in ClinVar's aggregate classification.

Clinical Genetics DNA and cytogenetics Diagnostics Lab, Erasmus MC, Erasmus Medical Center
Classification: Likely benign. Review status: no assertion criteria provided. Collection method: clinical testing. Allele origin: germline. Affected: yes. Study: VKGL Data-share Consensus. Not counted in ClinVar's aggregate classification.

Clinical Genetics, Academic Medical Center
Classification: Benign. Review status: no assertion criteria provided. Collection method: clinical testing. Allele origin: germline. Affected: yes. Study: VKGL Data-share Consensus. Not counted in ClinVar's aggregate classification.